The following is an entry in ClinVar:

NM_020366.4(RPGRIP1):c.3766C>G (p.Leu1256Val)

Gene: RPGRIP1 (RPGR interacting protein 1; plus strand). Cytogenetic location: 14q11.2.
Variant type: single nucleotide variant.
Coding change: c.3766C>G on transcript NM_020366.4 (MANE Select); coding-DNA position 3766, C replaced by G.
Protein change: p.Leu1256Val; replaces leucine 1256 with valine.
Molecular consequence: missense variant.
Genome position (GRCh38, 1-based): chr14:21,351,121, C>G. VCF-style: chr14-21351121-C-G. GRCh37 (hg19) VCF-style: chr14-21819280-C-G.
Other names: c.1744C>G, p.Leu582Val (NM_001377523.1, NM_001377950.1); c.2692C>G, p.Leu898Val (NM_001377948.1); c.1852C>G, p.Leu618Val (NM_001377949.1); c.1249C>G, p.Leu417Val (NM_001377951.1); short protein forms L1256V, L417V, L582V, L618V, L898V.
Identifiers: ClinVar variation 534364 (VCV000534364.8), dbSNP rs1405508889, ClinGen allele CA388858285.

ClinVar aggregate classification (germline): Uncertain significance (1 of 4 stars; one submission).

Conditions:
Cone-rod dystrophy 13 (CORD13). Identifiers: Orphanet 1872, MedGen C2750720, MONDO:0011987, OMIM 608194.
Leber congenital amaurosis 6 (LCA6). Identifiers: Orphanet 65, MedGen C1854260, MONDO:0013446, OMIM 613826.

Allele frequency attached by ClinVar (database versions not stated): gnomAD exomes below 0.00001; gnomAD 0.00001; TOPMed 0.00001.
gnomAD v4.1: 4 of 1,608,956 alleles (0.00025%); highest among the groups gnomAD compares: African/African-American, 0.0053%; no homozygotes.

Submission:

Labcorp Genetics (formerly Invitae), Labcorp
Classification: Uncertain significance for Leber congenital amaurosis 6; Cone-rod dystrophy 13. Last evaluated: 2022-09-06. Review status: criteria provided, single submitter. Criteria: Invitae Variant Classification Sherloc (09022015). Collection method: clinical testing. Allele origin: germline.
Comment: In summary, the available evidence is currently insufficient to determine the role of this variant in disease. Therefore, it has been classified as a Variant of Uncertain Significance. Algorithms developed to predict the effect of missense changes on protein structure and function (SIFT, PolyPhen-2, Align-GVGD) all suggest that this variant is likely to be tolerated. ClinVar contains an entry for this variant (Variation ID: 534364). This variant has not been reported in the literature in individuals affected with RPGRIP1-related conditions. This variant is present in population databases (no rsID available, gnomAD 0.01%). This sequence change replaces leucine, which is neutral and non-polar, with valine, which is neutral and non-polar, at codon 1256 of the RPGRIP1 protein (p.Leu1256Val).